The following is an entry in ClinVar:

ClinVar aggregate classification (germline): Uncertain significance. Review status: criteria provided, multiple submitters, no conflicts (2 of 4 stars). 2 submissions from 2 submitters: Uncertain significance (2). Last evaluated 2025-10-01.

Conditions:
Hereditary cancer-predisposing syndrome. Also called: Neoplastic Syndromes, Hereditary; Tumor predisposition; Hereditary Cancer Syndrome; Hereditary neoplastic syndrome. Identifiers: Orphanet 140162, MedGen C0027672, MeSH D009386, MONDO:0015356.
Familial cancer of breast. Also called: BREAST CANCER, FAMILIAL; hereditary breast carcinoma; Hereditary breast cancer. Identifiers: Orphanet 227535, MedGen C0346153, MONDO:0016419, OMIM 114480. Disease mechanism: loss of function.

Submissions (2):

Labcorp Genetics (formerly Invitae), Labcorp
Classification: Uncertain significance for Familial cancer of breast. Last evaluated: 2025-10-01. Review status: criteria provided, single submitter. Criteria: Invitae Variant Classification Sherloc (09022015). Collection method: clinical testing. Allele origin: germline.
Comment: This variant, c.507_509del, is a complex sequence change that results in the deletion of 2 and insertion of 1 amino acid(s) in the CHEK2 protein (p.Phe169_Val170delinsLeu). This variant is not present in population databases (gnomAD no frequency). This variant has not been reported in the literature in individuals affected with CHEK2-related conditions. ClinVar contains an entry for this variant (Variation ID: 233374). Experimental studies and prediction algorithms are not available or were not evaluated, and the functional significance of this variant is currently unknown. In summary, the available evidence is currently insufficient to determine the role of this variant in disease. Therefore, it has been classified as a Variant of Uncertain Significance.

Ambry Genetics
Classification: Uncertain significance for Hereditary cancer-predisposing syndrome. Last evaluated: 2022-11-15. Review status: criteria provided, single submitter. Criteria: Ambry Variant Classification Scheme 2023. Collection method: clinical testing. Allele origin: germline.
Comment: The c.507_509delTGT variant (also known as p.F169_V170delinsL) is located in coding exon 3 of the CHEK2 gene. This variant results from a deletion of three nucleotides (TGT) at nucleotide positions 507 to 509. The phenylalanine and valine residues at codons 169 and 170 are replaced by a leucine residue. These amino acid positions are well conserved in available vertebrate species. Since supporting evidence is limited at this time, the clinical significance of this alteration remains unclear.

NM_007194.4(CHEK2):c.507_509del (p.Phe169_Val170delinsLeu)

Gene: CHEK2 (checkpoint kinase 2; minus strand). Cytogenetic location: 22q12.1.
Variant type: Deletion.
Coding change: c.507_509del on transcript NM_007194.4 (MANE Select); coding-DNA positions 507 to 509, 3 bases deleted (TGT; older notation c.507_509delTGT).
Protein change: p.Phe169_Val170delinsLeu.
Molecular consequence: inframe indel. On other transcripts: 5 prime UTR variant (2), intron variant (1).
Genome position (GRCh38, 1-based): chr22:28,725,060-28,725,062, ACA deleted on the plus strand (TGT on the coding strand, the reverse complement: CHEK2 is on the minus strand); deleting any 3 consecutive bases within chr22:28,725,060-28,725,063 gives the same sequence; the c. name uses the placement nearest the transcript's 3' end. VCF-style (leftmost placement, unchanged base first): chr22-28725059-TACA-T. GRCh37 (hg19) VCF-style: chr22-29121047-TACA-T.
Other names: c.636_638del, p.Phe212_Val213delinsLeu (NM_001005735.3, NM_001438294.1); c.-271_-269del (NM_001257387.3); c.-157_-155del (NM_001437942.1); c.600_602del, p.Phe200_Val201delinsLeu (NM_001438293.1, NM_001438295.1); c.507_509del, p.Phe169_Val170delinsLeu (NM_145862.3); c.445-139_445-137del (NM_001349956.3).
Identifiers: ClinVar variation 233374 (VCV000233374.15), dbSNP rs876660363, ClinGen allele CA10581089.